The following is an entry in ClinVar:

ClinVar aggregate classification (germline): Uncertain significance (1 of 4 stars; one submission).

Conditions:
3-methylglutaconic aciduria, type VIIB (MGCA7B). Also called: 3-methylglutaconic aciduria with cataracts, neurologic involvement and neutropenia; CLPB Deficiency; 3-methylglutaconic aciduria, type VII, with cataracts, neurologic involvement and neutropenia. Identifiers: Orphanet 445038, MedGen C5676893, MONDO:0014561, OMIM 616271.

Allele frequency attached by ClinVar (database versions not stated): ExAC 0.00001.
gnomAD v4.1: 1 of 1,610,676 alleles (0.000062%); highest among the groups gnomAD compares: East Asian, 0.0022%; no homozygotes.

Submission:

Labcorp Genetics (formerly Invitae), Labcorp
Classification: Uncertain significance for 3-methylglutaconic aciduria, type VIIB. Last evaluated: 2022-01-12. Review status: criteria provided, single submitter. Criteria: Invitae Variant Classification Sherloc (09022015). Collection method: clinical testing. Allele origin: germline.
Comment: This variant has not been reported in the literature in individuals affected with CLPB-related conditions. Algorithms developed to predict the effect of missense changes on protein structure and function are either unavailable or do not agree on the potential impact of this missense change (SIFT: "Deleterious"; PolyPhen-2: "Benign"; Align-GVGD: "Class C0"). In summary, the available evidence is currently insufficient to determine the role of this variant in disease. Therefore, it has been classified as a Variant of Uncertain Significance. The frequency data for this variant in the population databases is considered unreliable, as metrics indicate poor data quality at this position in the gnomAD database. This sequence change replaces proline, which is neutral and non-polar, with threonine, which is neutral and polar, at codon 131 of the CLPB protein (p.Pro131Thr).

NM_001258392.3(CLPB):c.391C>A (p.Pro131Thr)

Gene: CLPB (ClpB family mitochondrial disaggregase; minus strand). Cytogenetic location: 11q13.4.
Variant type: single nucleotide variant.
Coding change: c.391C>A on transcript NM_001258392.3 (MANE Select); coding-DNA position 391, C replaced by A.
Protein change: p.Pro131Thr; replaces proline 131 with threonine.
Molecular consequence: missense variant.
Genome position (GRCh38, 1-based): chr11:72,434,084, G>T on the plus strand (C>A on the coding strand, the complement: CLPB is on the minus strand). VCF-style: chr11-72434084-G-T. GRCh37 (hg19) VCF-style: chr11-72145128-G-T.
Other names: c.391C>A, p.Pro131Thr (NM_001258393.3, NM_030813.6); c.149C>A, p.Ser50Tyr (NM_001258394.3); short protein forms P131T, S50Y.
Identifiers: ClinVar variation 2428127 (VCV002428127.9), dbSNP rs760899447, ClinGen allele CA6171612.